The following is an entry in ClinVar:

ClinVar aggregate classification (germline): Uncertain significance (1 of 4 stars; one submission).

gnomAD v4.1: 2 of 1,614,068 alleles (0.00012%); highest among the groups gnomAD compares: African/African-American, 0.0027%; no homozygotes.

Submission:

Labcorp Genetics (formerly Invitae), Labcorp
Classification: Uncertain significance. Last evaluated: 2023-12-01. Review status: criteria provided, single submitter. Criteria: Invitae Variant Classification Sherloc (09022015). Collection method: clinical testing. Allele origin: germline.
Comment: This sequence change replaces serine, which is neutral and polar, with glycine, which is neutral and non-polar, at codon 2623 of the NSD1 protein (p.Ser2623Gly). This variant is not present in population databases (gnomAD no frequency). This variant has not been reported in the literature in individuals affected with NSD1-related conditions. Advanced modeling of protein sequence and biophysical properties (such as structural, functional, and spatial information, amino acid conservation, physicochemical variation, residue mobility, and thermodynamic stability) performed at Invitae indicates that this missense variant is not expected to disrupt NSD1 protein function with a negative predictive value of 95%. In summary, the available evidence is currently insufficient to determine the role of this variant in disease. Therefore, it has been classified as a Variant of Uncertain Significance.

NM_022455.5(NSD1):c.7867A>G (p.Ser2623Gly)

Gene: NSD1 (nuclear receptor binding SET domain protein 1; plus strand). Cytogenetic location: 5q35.3.
Variant type: single nucleotide variant.
Coding change: c.7867A>G on transcript NM_022455.5 (MANE Select); coding-DNA position 7867, A replaced by G.
Protein change: p.Ser2623Gly; replaces serine 2623 with glycine.
Molecular consequence: missense variant.
Genome position (GRCh38, 1-based): chr5:177,295,235, A>G. VCF-style: chr5-177295235-A-G. GRCh37 (hg19) VCF-style: chr5-176722236-A-G.
Other names: c.6994A>G, p.Ser2332Gly (NM_001409308.1, NM_172349.5, NM_001365684.2); c.6745A>G, p.Ser2249Gly (NM_001409309.1); c.7867A>G, p.Ser2623Gly (NM_001409301.1, NM_001409302.1, NM_001409303.1); c.7447A>G, p.Ser2483Gly (NM_001409304.1); c.7114A>G, p.Ser2372Gly (NM_001409305.1); c.7105A>G, p.Ser2369Gly (NM_001409306.1, NM_001409307.1); short protein forms S2372G, S2483G, S2332G, S2249G, S2369G, S2623G.
Identifiers: ClinVar variation 3665487 (VCV003665487.2).
Genomic context (GRCh38, chr5:177,295,235, plus strand): 5'-CTCGGGAAGGCCCCAGCCTCCCTCCCCACTGAAGAAAAGAAGTTGGTAACCACAGAGCAA[A>G]GTCCCTGGGCCCTGGGAAAAGCCTCATCACGGGCAGGGCTCTGGCCCATAGTGGCTGGAC-3'
Protein context (NP_071900.2, residues 2613-2633): EEKKLVTTEQ[Ser2623Gly]PWALGKASSR